The following is an entry in ClinVar:

ClinVar aggregate classification (germline): Uncertain significance (1 of 4 stars; one submission).

Conditions:
Mitochondrial DNA depletion syndrome 6 (hepatocerebral type). Also called: NAVAJO NEUROPATHY; Mitochondrial DNA depletion syndrome type 6; Navajo neurohepatopathy. Identifiers: Orphanet 255229, MedGen C1850406, MONDO:0009747, OMIM 256810.

Submission:

SIB Swiss Institute of Bioinformatics
Classification: Uncertain significance for Mitochondrial DNA depletion syndrome 6 (hepatocerebral type). Last evaluated: 2019-08-13. Review status: criteria provided, single submitter. Criteria: ACMG Guidelines, 2015. Collection method: curation. Allele origin: unknown.
Comment: This variant is interpreted as a variant of uncertain significance for Mitochondrial DNA depletion syndrome 6, autosomal recessive. The following ACMG Tag(s) were applied: PM2, PP3, PM3.

Literature cited by the submitters: PubMed 23714749; PubMed 29282788.

NM_002437.5(MPV17):c.62T>G (p.Leu21Arg)

Gene: MPV17 (mitochondrial inner membrane protein MPV17; minus strand). Cytogenetic location: 2p23.3.
Variant type: single nucleotide variant.
Coding change: c.62T>G on transcript NM_002437.5 (MANE Select); coding-DNA position 62, T replaced by G.
Protein change: p.Leu21Arg; replaces leucine 21 with arginine.
Molecular consequence: missense variant.
Genome position (GRCh38, 1-based): chr2:27,322,456, A>C on the plus strand (T>G on the coding strand, the complement: MPV17 is on the minus strand). VCF-style: chr2-27322456-A-C. GRCh37 (hg19) VCF-style: chr2-27545323-A-C.
Other names: short protein forms L21R.
Identifiers: ClinVar variation 694363 (VCV000694363.1), dbSNP rs976220715, ClinGen allele CA44472935.
Genomic context (GRCh38, chr2:27,322,456, plus strand): 5'-GCTTCCAAATCAGTCTGCCCTGGTCCCACTCAAGTCCTAGAGGGACACTCACCAGCTGTC[A>C]GGACCTGTACTTTCCACGGGTGAGCGGCCAGGGCCCGCTGGTATGCCCGCCAGAGTGCCA-3'
Protein context (NP_002428.1, residues 11-31): LAAHPWKVQV[Leu21Arg]TAGSLMGLGD